The following is an entry in ClinVar:

NM_001114753.3(ENG):c.179C>T (p.Ala60Val)

Gene: ENG (endoglin; minus strand). Cytogenetic location: 9q34.11.
Variant type: single nucleotide variant.
Coding change: c.179C>T on transcript NM_001114753.3 (MANE Select); coding-DNA position 179, C replaced by T.
Protein change: p.Ala60Val; replaces alanine 60 with valine.
Molecular consequence: missense variant. On other transcripts: 5 prime UTR variant (1).
Genome position (GRCh38, 1-based): chr9:127,843,134, G>A on the plus strand (C>T on the coding strand, the complement: ENG is on the minus strand). VCF-style: chr9-127843134-G-A. GRCh37 (hg19) VCF-style: chr9-130605413-G-A.
Other names: c.179C>T, p.Ala60Val (NM_000118.4, NM_001406715.1); c.-368C>T (NM_001278138.2); short protein forms A60V.
Identifiers: ClinVar variation 1413158 (VCV001413158.14), dbSNP rs146100407, ClinGen allele CA5253217.

ClinVar aggregate classification (germline): Likely benign. Review status: criteria provided, multiple submitters, no conflicts (2 of 4 stars). 2 submissions from 2 submitters: Likely benign (2). Last evaluated 2025-12-01.

Conditions:
Hereditary hemorrhagic telangiectasia (HHT). Also called: ORW DISEASE; Osler Weber Rendu syndrome; OSLER-RENDU-WEBER DISEASE; Osler hemorrhagic telangiectasia syndrome. Identifiers: Orphanet 774, MedGen C0039445, MONDO:0019180. Disease mechanism: loss of function.

gnomAD v4.1: 10 of 1,614,224 alleles (0.00062%); highest among the groups gnomAD compares: Non-Finnish European, 0.00076%; no homozygotes.

Submissions (2):

CeGaT Center for Human Genetics Tuebingen
Classification: Likely benign. Last evaluated: 2025-12-01. Review status: criteria provided, single submitter. Criteria: CeGaT Center For Human Genetics Tuebingen Variant Classification Criteria Version 2. Collection method: clinical testing. Allele origin: germline. Affected: yes. Observed: 1 variant allele.
Comment: ENG: BP4

Labcorp Genetics (formerly Invitae), Labcorp
Classification: Likely benign for Hereditary hemorrhagic telangiectasia. Last evaluated: 2024-06-04. Review status: criteria provided, single submitter. Criteria: Invitae Variant Classification Sherloc (09022015). Collection method: clinical testing. Allele origin: germline.